The following is an entry in ClinVar:

ClinVar aggregate classification (germline): Uncertain significance (1 of 4 stars; one submission).

Conditions:
Arrhythmogenic right ventricular dysplasia 9 (ARVD9). Also called: Arrhythmogenic Right Ventricular Dysplasia/Cardiomyopathy 9; ARRHYTHMOGENIC RIGHT VENTRICULAR DYSPLASIA, FAMILIAL, 9. Identifiers: MedGen C1836906, MONDO:0012180, OMIM 609040.

Submission:

Labcorp Genetics (formerly Invitae), Labcorp
Classification: Uncertain significance for Arrhythmogenic right ventricular dysplasia 9. Last evaluated: 2023-10-13. Review status: criteria provided, single submitter. Criteria: Invitae Variant Classification Sherloc (09022015). Collection method: clinical testing. Allele origin: germline.
Comment: This sequence change replaces glutamine, which is neutral and polar, with histidine, which is basic and polar, at codon 129 of the PKP2 protein (p.Gln129His). This variant is not present in population databases (gnomAD no frequency). This variant has not been reported in the literature in individuals affected with PKP2-related conditions. An algorithm developed to predict the effect of missense changes on protein structure and function (PolyPhen-2) suggests that this variant is likely to be tolerated. In summary, the available evidence is currently insufficient to determine the role of this variant in disease. Therefore, it has been classified as a Variant of Uncertain Significance.

NM_001005242.3(PKP2):c.387G>T (p.Gln129His)

Gene: PKP2 (plakophilin 2; minus strand). Cytogenetic location: 12p11.21.
Variant type: single nucleotide variant.
Coding change: c.387G>T on transcript NM_001005242.3 (MANE Select); coding-DNA position 387, G replaced by T.
Protein change: p.Gln129His; replaces glutamine 129 with histidine.
Molecular consequence: missense variant.
Genome position (GRCh38, 1-based): chr12:32,878,493, C>A on the plus strand (G>T on the coding strand, the complement: PKP2 is on the minus strand). VCF-style: chr12-32878493-C-A. GRCh37 (hg19) VCF-style: chr12-33031427-C-A.
Other names: c.387G>T, p.Gln129His (NM_001407155.1, NM_001407156.1, NM_001407157.1 and 2 more transcripts); c.60G>T, p.Gln20His (NM_001407158.1, NM_001407159.1, NM_001407160.1 and 1 more transcripts); short protein forms Q129H, Q20H.
Identifiers: ClinVar variation 2725774 (VCV002725774.3), dbSNP rs768974835, ClinGen allele CA384365415.